The following is an entry in ClinVar:

ClinVar aggregate classification (germline): Likely benign (0 of 4 stars; one submission).

Conditions:
PLXNA4-related disorder. Also called: PLXNA4-related condition.

Allele frequency attached by ClinVar (database versions not stated): ExAC 0.00003; gnomAD 0.00006; TOPMed 0.00006; ESP Exome Variant Server 0.00008; 1000 Genomes Project 0.00020; 1000 Genomes Project 30x 0.00031.
gnomAD v4.1: 25 of 1,610,410 alleles (0.0016%); highest among the groups gnomAD compares: African/African-American, 0.013%; no homozygotes.

Submission:

PreventionGenetics, part of Exact Sciences
Classification: Likely benign for PLXNA4-related condition. Last evaluated: 2022-12-12. Review status: no assertion criteria provided. Collection method: clinical testing. Allele origin: germline.
Comment: This variant is classified as likely benign based on ACMG/AMP sequence variant interpretation guidelines (Richards et al. 2015 PMID: 25741868, with internal and published modifications).

NM_020911.2(PLXNA4):c.4065C>T (p.Phe1355=)

Gene: PLXNA4 (plexin A4; minus strand). Cytogenetic location: 7q32.3.
Variant type: single nucleotide variant.
Coding change: c.4065C>T on transcript NM_020911.2 (MANE Select); coding-DNA position 4065, C replaced by T.
Protein change: p.Phe1355=; no amino-acid change (phenylalanine 1355 retained).
Molecular consequence: synonymous variant.
Genome position (GRCh38, 1-based): chr7:132,168,525, G>A on the plus strand (C>T on the coding strand, the complement: PLXNA4 is on the minus strand). VCF-style: chr7-132168525-G-A. GRCh37 (hg19) VCF-style: chr7-131853284-G-A.
Other names: c.4065C>T, p.Phe1355= (NM_001393897.1).
Identifiers: ClinVar variation 3055136 (VCV003055136.2), dbSNP rs200724235, ClinGen allele CA4489282.